The following is an entry in ClinVar:

NM_015915.5(ATL1):c.633T>C (p.Ser211=)

Gene: ATL1 (atlastin GTPase 1; plus strand). Cytogenetic location: 14q22.1.
Variant type: single nucleotide variant.
Coding change: c.633T>C on transcript NM_015915.5 (MANE Select); coding-DNA position 633, T replaced by C.
Protein change: p.Ser211=; no amino-acid change (serine 211 retained).
Molecular consequence: synonymous variant.
Genome position (GRCh38, 1-based): chr14:50,613,261, T>C. VCF-style: chr14-50613261-T-C. GRCh37 (hg19) VCF-style: chr14-51079979-T-C.
Other names: c.633T>C, p.Ser211= (NM_001127713.1, NM_181598.4).
Identifiers: ClinVar variation 3705255 (VCV003705255.14).

ClinVar aggregate classification (germline): Likely benign. Review status: criteria provided, multiple submitters, no conflicts (2 of 4 stars). 4 submissions from 4 submitters: Likely benign (4). Last evaluated 2025-05-01.

Conditions:
Hereditary spastic paraplegia 3A (SPG3A). Also called: SPASTIC PARAPLEGIA 3, AUTOSOMAL DOMINANT; FAMILIAL SPASTIC PARAPLEGIA, AUTOSOMAL DOMINANT, 1; SPG3; STRUMPELL DISEASE; Spastic Paraplegia 3A; Spastic paraplegia 3A, autosomal dominant. Identifiers: Orphanet 100984, MedGen C2931355, MONDO:0008437, OMIM 182600.

gnomAD v4.1: 8 of 1,610,984 alleles (0.0005%); highest among the groups gnomAD compares: Non-Finnish European, 0.00068%; no homozygotes.

Submissions (4):

CeGaT Center for Human Genetics Tuebingen
Classification: Likely benign. Last evaluated: 2025-05-01. Review status: criteria provided, single submitter. Criteria: CeGaT Center For Human Genetics Tuebingen Variant Classification Criteria Version 2. Collection method: clinical testing. Allele origin: germline. Affected: yes. Observed: 1 variant allele.
Comment: ATL1: BP4, BP7

Laboratory of Genetics, Children's Clinical University Hospital Latvia
Classification: Likely benign. Last evaluated: 2025-02-16. Review status: criteria provided, single submitter. Criteria: ACMG Guidelines, 2015. Collection method: clinical testing. Allele origin: germline. Affected: yes.

Labcorp Genetics (formerly Invitae), Labcorp
Classification: Likely benign for Hereditary spastic paraplegia 3A. Last evaluated: 2024-06-11. Review status: criteria provided, single submitter. Criteria: Invitae Variant Classification Sherloc (09022015). Collection method: clinical testing. Allele origin: germline.

Blueprint Genetics
Classification: Likely benign. Last evaluated: 2023-10-19. Review status: criteria provided, single submitter. Criteria: ACMG Guidelines, 2015. Collection method: clinical testing. Allele origin: germline.